The following is an entry in ClinVar:

NM_031220.4(PITPNM3):c.2204G>A (p.Gly735Asp)

Gene: PITPNM3 (PITPNM family member 3; minus strand). Cytogenetic location: 17p13.2.
Variant type: single nucleotide variant.
Coding change: c.2204G>A on transcript NM_031220.4 (MANE Select); coding-DNA position 2204, G replaced by A.
Protein change: p.Gly735Asp; replaces glycine 735 with aspartic acid.
Molecular consequence: missense variant.
Genome position (GRCh38, 1-based): chr17:6,463,834, C>T on the plus strand (G>A on the coding strand, the complement: PITPNM3 is on the minus strand). VCF-style: chr17-6463834-C-T. GRCh37 (hg19) VCF-style: chr17-6367154-C-T.
Other names: c.2096G>A, p.Gly699Asp (NM_001165966.2); short protein forms G735D, G699D.
Identifiers: ClinVar variation 3655862 (VCV003655862.2).
Genomic context (GRCh38, chr17:6,463,834, plus strand): 5'-CCCATGATAGACACGCTGGCCGCGAAGGACCCATCAATGCTGAACACTACACACTCCATG[C>T]CCCTGGGCAACACCGTGAGGTAGCTCATGGCACAGGTCTGGTCGCCCCTGAAAGAAACCT-3'
Protein context (NP_112497.2, residues 725-745): AMSYLTVLPR[Gly735Asp]MECVVFSIDG

ClinVar aggregate classification (germline): Uncertain significance (1 of 4 stars; one submission).

gnomAD v4.1: 44 of 1,613,994 alleles (0.0027%); highest among the groups gnomAD compares: South Asian, 0.046%; no homozygotes.

Submission:

Labcorp Genetics (formerly Invitae), Labcorp
Classification: Uncertain significance. Last evaluated: 2024-03-28. Review status: criteria provided, single submitter. Criteria: Invitae Variant Classification Sherloc (09022015). Collection method: clinical testing. Allele origin: germline.
Comment: This sequence change replaces glycine, which is neutral and non-polar, with aspartic acid, which is acidic and polar, at codon 735 of the PITPNM3 protein (p.Gly735Asp). This variant is present in population databases (rs770938798, gnomAD 0.04%), and has an allele count higher than expected for a pathogenic variant. This variant has not been reported in the literature in individuals affected with PITPNM3-related conditions. Advanced modeling of protein sequence and biophysical properties (such as structural, functional, and spatial information, amino acid conservation, physicochemical variation, residue mobility, and thermodynamic stability) performed at Invitae indicates that this missense variant is not expected to disrupt PITPNM3 protein function with a negative predictive value of 80%. In summary, the available evidence is currently insufficient to determine the role of this variant in disease. Therefore, it has been classified as a Variant of Uncertain Significance.